The following is an entry in ClinVar:

NM_005862.3(STAG1):c.1635G>C (p.Arg545Ser)

Gene: STAG1 (STAG1 cohesin complex component; minus strand). Cytogenetic location: 3q22.3.
Variant type: single nucleotide variant.
Coding change: c.1635G>C on transcript NM_005862.3 (MANE Select); coding-DNA position 1635, G replaced by C.
Protein change: p.Arg545Ser; replaces arginine 545 with serine.
Molecular consequence: missense variant.
Genome position (GRCh38, 1-based): chr3:136,433,571, C>G on the plus strand (G>C on the coding strand, the complement: STAG1 is on the minus strand). VCF-style: chr3-136433571-C-G. GRCh37 (hg19) VCF-style: chr3-136152413-C-G.
Other names: short protein forms R545S.
Identifiers: ClinVar variation 1313320 (VCV001313320.2), dbSNP rs2088371405, ClinGen allele CA354646258.

ClinVar aggregate classification (germline): Uncertain significance (1 of 4 stars; one submission).

Submission:

GeneDx
Classification: Uncertain significance. Last evaluated: 2020-10-15. Review status: criteria provided, single submitter. Criteria: GeneDx Variant Classification Process June 2021. Collection method: clinical testing. Allele origin: germline. Affected: yes.
Comment: Not observed in large population cohorts (Lek et al., 2016); In silico analysis supports that this missense variant has a deleterious effect on protein structure/function; Has not been previously published as pathogenic or benign to our knowledge